The following is an entry in ClinVar:

ClinVar aggregate classification (germline): Likely benign (1 of 4 stars; one submission).

Allele frequency attached by ClinVar (database versions not stated): gnomAD exomes 0.00012; 1000 Genomes Project 30x 0.00031; 1000 Genomes Project 0.00040; ExAC 0.00045; gnomAD 0.00107; TOPMed 0.00119; ESP Exome Variant Server 0.00146.
gnomAD v4.1: 346 of 1,612,740 alleles (0.021%); highest among the groups gnomAD compares: African/African-American, 0.37%; 2 homozygotes.

Submission:

CeGaT Center for Human Genetics Tuebingen
Classification: Likely benign. Last evaluated: 2022-11-01. Review status: criteria provided, single submitter. Criteria: CeGaT Center For Human Genetics Tuebingen Variant Classification Criteria Version 2. Collection method: clinical testing. Allele origin: germline. Affected: yes. Observed: 1 variant allele.
Comment: NTNG2: BP4, BP7

NM_032536.4(NTNG2):c.921C>T (p.Cys307=)

Gene: NTNG2 (netrin G2; plus strand). Cytogenetic location: 9q34.13.
Variant type: single nucleotide variant.
Coding change: c.921C>T on transcript NM_032536.4 (MANE Select); coding-DNA position 921, C replaced by T.
Protein change: p.Cys307=; no amino-acid change (cysteine 307 retained).
Molecular consequence: synonymous variant.
Genome position (GRCh38, 1-based): chr9:132,226,912, C>T. VCF-style: chr9-132226912-C-T. GRCh37 (hg19) VCF-style: chr9-135102299-C-T.
Identifiers: ClinVar variation 2659644 (VCV002659644.24), dbSNP rs139239505, ClinGen allele CA5296036.